The following is an entry in ClinVar:

NM_001291303.3(FAT4):c.3236C>T (p.Pro1079Leu)

Gene: FAT4 (FAT atypical cadherin 4; plus strand). Cytogenetic location: 4q28.1.
Variant type: single nucleotide variant.
Coding change: c.3236C>T on transcript NM_001291303.3 (MANE Select); coding-DNA position 3236, C replaced by T.
Protein change: p.Pro1079Leu; replaces proline 1079 with leucine.
Molecular consequence: missense variant.
Genome position (GRCh38, 1-based): chr4:125,319,647, C>T. VCF-style: chr4-125319647-C-T. GRCh37 (hg19) VCF-style: chr4-126240802-C-T.
Other names: c.3236C>T, p.Pro1079Leu (NM_001291285.3, NM_024582.6); c.3236C>T (NM_024582.4); short protein forms P1079L.
Identifiers: ClinVar variation 1469060 (VCV001469060.6), dbSNP rs185325824, ClinGen allele CA3072281.

ClinVar aggregate classification (germline): Uncertain significance. Review status: criteria provided, multiple submitters, no conflicts (2 of 4 stars). 2 submissions from 2 submitters: Uncertain significance (2). Last evaluated 2021-12-03.

Conditions:
Inborn genetic diseases. Identifiers: MedGen C0950123, MeSH D030342.

Allele frequency attached by ClinVar (database versions not stated): gnomAD exomes below 0.00001; ExAC 0.00001; gnomAD 0.00001; TOPMed 0.00002.
gnomAD v4.1: 4 of 1,613,788 alleles (0.00025%); highest among the groups gnomAD compares: African/African-American, 0.0053%; no homozygotes.

Submissions (2):

Ambry Genetics
Classification: Uncertain significance for Inborn genetic diseases. Last evaluated: 2021-12-03. Review status: criteria provided, single submitter. Criteria: Ambry Variant Classification Scheme 2023. Collection method: clinical testing. Allele origin: germline.

Labcorp Genetics (formerly Invitae), Labcorp
Classification: Uncertain significance. Last evaluated: 2021-08-14. Review status: criteria provided, single submitter. Criteria: Invitae Variant Classification Sherloc (09022015). Collection method: clinical testing. Allele origin: germline.
Comment: This sequence change replaces proline with leucine at codon 1079 of the FAT4 protein (p.Pro1079Leu). The proline residue is highly conserved and there is a moderate physicochemical difference between proline and leucine. This variant is present in population databases (rs185325824, ExAC 0.009%). This variant has not been reported in the literature in individuals affected with FAT4-related conditions. Advanced modeling of protein sequence and biophysical properties (such as structural, functional, and spatial information, amino acid conservation, physicochemical variation, residue mobility, and thermodynamic stability) performed at Invitae indicates that this missense variant is not expected to disrupt FAT4 protein function. In summary, the available evidence is currently insufficient to determine the role of this variant in disease. Therefore, it has been classified as a Variant of Uncertain Significance.